The following is an entry in ClinVar:

ClinVar aggregate classification (germline): Uncertain significance (1 of 4 stars; one submission).

Conditions:
Inborn genetic diseases. Identifiers: MedGen C0950123, MeSH D030342.

Allele frequency attached by ClinVar (database versions not stated): TOPMed below 0.00001; gnomAD 0.00001.
gnomAD v4.1: 1 of 1,614,106 alleles (0.000062%); highest among the groups gnomAD compares: Admixed American, 0.0017%; no homozygotes.

Submission:

Ambry Genetics
Classification: Uncertain significance for Inborn genetic diseases. Last evaluated: 2024-01-19. Review status: criteria provided, single submitter. Criteria: Ambry Variant Classification Scheme 2023. Collection method: clinical testing. Allele origin: germline.
Comment: The p.A1003T variant (also known as c.3007G>A), located in coding exon 23 of the BUB1B gene, results from a G to A substitution at nucleotide position 3007. The alanine at codon 1003 is replaced by threonine, an amino acid with similar properties. This amino acid position is conserved. In addition, this alteration is predicted to be tolerated by in silico analysis. Based on the available evidence, the clinical significance of this alteration remains unclear.

NM_001211.6(BUB1B):c.3007G>A (p.Ala1003Thr)

Genes: BUB1B (BUB1 mitotic checkpoint serine/threonine kinase B; plus strand), BUB1B-PAK6 (BUB1B-PAK6 readthrough; plus strand). Cytogenetic location: 15q15.1.
Variant type: single nucleotide variant.
Coding change: c.3007G>A on transcript NM_001211.6 (MANE Select); coding-DNA position 3007, G replaced by A.
Protein change: p.Ala1003Thr; replaces alanine 1003 with threonine.
Molecular consequence: missense variant. On other transcripts: intron variant (2).
Genome position (GRCh38, 1-based): chr15:40,220,613, G>A. VCF-style: chr15-40220613-G-A. GRCh37 (hg19) VCF-style: chr15-40512814-G-A.
Other names: c.-201+2946G>A (NM_001128628.3); c.-118+2946G>A (NM_001128629.3); short protein forms A1003T.
Identifiers: ClinVar variation 3221415 (VCV003221415.1), dbSNP rs1222026369, ClinGen allele CA391689606.